The following continues an entry in ClinVar:

NM_024675.4(PALB2):c.1240C>T (p.Arg414Ter)

Gene: PALB2. ClinVar aggregate classification (germline): Pathogenic/Likely pathogenic. Pathogenic (29); Likely pathogenic (1).

Submissions 11 to 28 of 35:

Department of Clinical Genetics, Copenhagen University Hospital, Rigshospitalet
Classification: Pathogenic for Hereditary cancer-predisposing syndrome. Last evaluated: 2025-02-04. Review status: criteria provided, single submitter. Criteria: ACMG Guidelines, 2015. Collection method: clinical testing. Allele origin: germline.
Comment: PVS1; PM2_SUP, PM5_SUP

Johns Hopkins Genomics, Johns Hopkins University
Classification: Pathogenic for Primary ciliary dyskinesia 20. Last evaluated: 2025-01-09. Review status: criteria provided, single submitter. Criteria: ACMG Guidelines, 2015. Collection method: clinical testing. Allele origin: germline.
Comment: This PALB2 variant (rs180177100) is rare (<0.1%) in a large population dataset (gnomADv2.1.1: 2/250782 total alleles; 0.0008%; no homozygotes) and has been reported in ClinVar. This variant has been reported in the literature in multiple individuals or families with breast and/or ovarian cancer. Case control analysis shows the prevalence of this variant is higher in affected individuals with breast cancer than in controls (OR 5.89, 95%CI 1.76-19.74, p = 0.004). This nonsense variant (p.Arg414Ter) in exon 4 of 13 results in a premature termination codon (PTC) likely leading to nonsense-mediated decay and lack of protein production. We consider c.1240C>T to be pathogenic for autosomal dominant hereditary breast and/or ovarian cancer.

Hema, HEMA – Genetic and Molecular Diagnostic Laboratory
Classification: Pathogenic for PALB2-related cancer predisposition. Last evaluated: 2024-12-12. Review status: criteria provided, single submitter. Criteria: HEMA Variant Classification Assertion Criteria. Collection method: clinical testing. Allele origin: germline.
Comment: It is a transition from guanine to adenine that results in a premature stop codon at codon 414 of PALB2. PVS1: Null variant (nonsense) in a gene for which loss of function is a known disease mechanism. It is a nonsense variant that introduces a premature stop codon in exon 4/13, which is predicted to lead to nonsense-mediated decay (NMD) of the transcript. PS4: A meta-analysis of case-control studies showed a statistically significant association between the variant and breast cancer (OR = 5.89, 95% CI: 1.76 - 19.74, p = 0.004) (PMID: 31467304). PM5_Supporting: Variant that introduces a premature stop codon before codon 1183 of PALB2.

Institute of Immunology and Genetics Kaiserslautern
Classification: Pathogenic for Breast-ovarian cancer, familial, susceptibility to, 1. Last evaluated: 2024-07-31. Review status: criteria provided, single submitter. Criteria: ACMG Guidelines, 2015. Collection method: clinical testing. Allele origin: germline. Affected: yes.
Comment: ACMG Criteria: PVS1, PM2, PP5; Variant was found in heterozygous state

Fulgent Genetics
Classification: Pathogenic for Fanconi anemia complementation group N; Pancreatic cancer, susceptibility to, 3; Breast-ovarian cancer, familial, susceptibility to, 5. Last evaluated: 2024-05-21. Review status: criteria provided, single submitter. Criteria: ACMG Guidelines, 2015. Collection method: clinical testing. Allele origin: germline.

Color Diagnostics, LLC DBA Color Health
Classification: Pathogenic for Hereditary cancer-predisposing syndrome. Last evaluated: 2024-05-13. Review status: criteria provided, single submitter. Criteria: ACMG Guidelines, 2015. Collection method: clinical testing. Allele origin: germline.
Comment: This variant changes 1 nucleotide in exon 4 of the PALB2 gene, creating a premature translation stop signal. This variant is expected to result in an absent or non-functional protein product. This variant has been reported in individuals affected with breast cancer (PMID: 21165770, 21285249, 21618343, 24136930, 25099575, 25186627, 26681312, 27553368, 29470806, 30128536, 33471991), pancreatic cancer (PMID: 20412113, 27449771, 30067863), and ovarian cancer (PMID: 24448499). This variant has been detected in a breast cancer case-control meta-analysis in 11/60466 cases and 4/53461 unaffected individuals (PMID: 33471991; Leiden Open Variation Database DB-ID PALB2_010003). This variant has been identified in 2/250782 chromosomes in the general population by the Genome Aggregation Database (gnomAD). Loss of PALB2 function is a known mechanism of disease. Based on the available evidence, this variant is classified as Pathogenic.

Clinical Genetics Laboratory, Skane University Hospital Lund
Classification: Pathogenic. Last evaluated: 2024-02-23. Review status: criteria provided, single submitter. Criteria: ACMG Guidelines, 2015. Collection method: clinical testing. Allele origin: germline. Affected: yes.

Baylor Genetics
Classification: Pathogenic for Familial cancer of breast. Last evaluated: 2023-12-10. Review status: criteria provided, single submitter. Criteria: ACMG Guidelines, 2015. Collection method: clinical testing. Allele origin: unknown.

Clinical Genomics Laboratory, Washington University in St. Louis
Classification: Pathogenic for Breast-ovarian cancer, familial, susceptibility to, 5; Pancreatic cancer, susceptibility to, 3. Last evaluated: 2023-12-06. Review status: criteria provided, single submitter. Criteria: ACMG Guidelines, 2015. Collection method: clinical testing. Allele origin: germline.
Comment: The PALB2 c.1240C>T (p.Arg414Ter) variant has been reported in over 10 individuals with breast, ovarian, and pancreatic cancer (Antoniou AC et al., PMID: 25099575; Blanco A et al., PMID: 23935836; Bogdanova N et al., PMID: 21165770; Casadei S et al., PMID: 21285249; Catucci I et al., PMID: 22692731; Hellebrand H et al., PMID: 21618343; Janatova M et al., PMID: 24136930; Kanchi KL et al., PMID: 24448499; Schneider R et al., PMID: 21207249). This nonsense variant generates a premature stop codon that is predicted to result in nonsense mediated decay in a gene for which loss of function is a known mechanism of disease. This variant is only observed on 2/250,782 alleles in the general population (gnomAD v.2.1.1), indicating it is not a common variant. This variant has been reported in the ClinVar database as a pathogenic variant in by 21 submitters (ClinVar Variation ID: 128117). Based on available information and the ACMG/AMP guidelines for variant interpretation (Richards S et al., PMID: 25741868), this variant is classified as pathogenic.

Institute of Human Genetics, University of Leipzig Medical Center
Classification: Pathogenic for Familial cancer of breast. Last evaluated: 2023-07-18. Review status: criteria provided, single submitter. Criteria: ACMG Guidelines, 2015. Collection method: clinical testing. Allele origin: unknown. Inheritance: Autosomal dominant inheritance. Affected: yes.
Comment: Criteria applied: PVS1,PS4,PM2_SUP

GeneDx
Classification: Pathogenic. Last evaluated: 2023-06-22. Review status: criteria provided, single submitter. Criteria: GeneDx Variant Classification Process June 2021. Collection method: clinical testing. Allele origin: germline. Affected: yes.
Comment: Nonsense variant predicted to result in protein truncation or nonsense mediated decay in a gene for which loss of function is a known mechanism of disease; Truncating variants in this gene are considered pathogenic by a well-established clinical consortium and/or database; Not observed at significant frequency in large population cohorts (gnomAD); This variant is associated with the following publications: (PMID: 21285249, 23935836, 21207249, 25099575, 25525159, 24136930, 23935381, 24870022, 26720728, 27067391, 25619955, 27553368, 28024868, 28528518, 26681312, 22692731, 24448499, 25186627, 20412113, 21165770, 21618343, 29945567, 28779002, 29470806, 28724667, 29706558, 30067863, 30322717, 32426482, 32339256, 31589614, 32885271, 34308104, 36003761, 35753512, 30130155, 32853339, 29922827, 32997802, 28888541, 35264596, 31467304, 31619740, 36988593, 35118230, 36978154, 35875117, 36278678, 35685475, 35798629)

Myriad Genetics, Inc.
Classification: Pathogenic for Familial cancer of breast. Last evaluated: 2023-03-31. Review status: criteria provided, single submitter. Criteria: Myriad Autosomal Dominant, Autosomal Recessive and X-Linked Classification Criteria (2023). Collection method: clinical testing. Allele origin: unknown.
Comment: This variant is considered pathogenic. This variant creates a termination codon and is predicted to result in premature protein truncation.

Laboratorio de Genetica e Diagnostico Molecular, Hospital Israelita Albert Einstein
Classification: Pathogenic for Familial cancer of breast. Last evaluated: 2021-11-23. Review status: criteria provided, single submitter. Criteria: ACMG Guidelines, 2015. Collection method: clinical testing. Allele origin: germline. Affected: yes.
Comment: ACMG classification criteria: PVS1 very strong, PS4 strong, PM2 moderate

Women's Health and Genetics/Laboratory Corporation of America, LabCorp
Classification: Pathogenic for Hereditary breast ovarian cancer syndrome. Last evaluated: 2021-09-28. Review status: criteria provided, single submitter. Criteria: LabCorp Variant Classification Summary - May 2015. Collection method: clinical testing. Allele origin: germline.
Comment: Variant summary: PALB2 c.1240C>T (p.Arg414X) results in a premature termination codon, predicted to cause a truncation of the encoded protein or absence of the protein due to nonsense mediated decay, which are commonly known mechanisms for disease. Truncations downstream of this position have been classified as pathogenic by our laboratory. The variant allele was found at a frequency of 7.9e-06 in 252702 control chromosomes. c.1240C>T has been reported in the literature in multiple individuals affected with Hereditary Breast And Ovarian Cancer Syndrome (example, Bogdanova_2011, Casadei_2011, Susswein_2015, Norquist_2016, Sun_2017). 12 clinical diagnostic laboratories have submitted clinical-significance assessments for this variant to ClinVar after 2014 without evidence for independent evaluation. All laboratories classified the variant as pathogenic. Based on the evidence outlined above, the variant was classified as pathogenic.

CeGaT Center for Human Genetics Tuebingen
Classification: Pathogenic. Last evaluated: 2021-09-01. Review status: criteria provided, single submitter. Criteria: CeGaT Center For Human Genetics Tuebingen Variant Classification Criteria Version 2. Collection method: clinical testing. Allele origin: germline. Affected: yes. Observed: 3 variant alleles.

Institute of Medical Genetics and Applied Genomics, University Hospital Tübingen
Classification: Pathogenic. Last evaluated: 2020-10-23. Review status: criteria provided, single submitter. Criteria: ACMG Guidelines, 2015. Collection method: clinical testing. Allele origin: germline. Inheritance: Unknown mechanism. Affected: yes.

Genetics and Molecular Pathology, SA Pathology
Classification: Pathogenic for Familial cancer of breast. Last evaluated: 2020-04-29. Review status: criteria provided, single submitter. Criteria: ACMG Guidelines, 2015. Collection method: clinical testing. Allele origin: germline. Affected: yes.

Department of Molecular Diagnostics, Institute of Oncology Ljubljana
Classification: Pathogenic for Familial cancer of breast. Last evaluated: 2020-04-02. Review status: criteria provided, single submitter. Criteria: ACMG Guidelines, 2015. Collection method: clinical testing. Allele origin: germline. Affected: yes.